The following is an entry in ClinVar:

ClinVar aggregate classification (germline): Uncertain significance. Review status: criteria provided, multiple submitters, no conflicts (2 of 4 stars). 2 submissions from 2 submitters: Uncertain significance (2). Last evaluated 2026-04-30.

Conditions:
Familial cancer of breast. Also called: BREAST CANCER, FAMILIAL; Hereditary breast cancer; hereditary breast carcinoma. Identifiers: Orphanet 227535, MedGen C0346153, MONDO:0016419, OMIM 114480. Disease mechanism: loss of function.
Hereditary cancer-predisposing syndrome. Also called: Tumor predisposition; Neoplastic Syndromes, Hereditary; Hereditary Cancer Syndrome; Hereditary neoplastic syndrome. Identifiers: Orphanet 140162, MedGen C0027672, MeSH D009386, MONDO:0015356.

Allele frequency attached by ClinVar (database versions not stated): gnomAD exomes below 0.00001.
gnomAD v4.1: 1 of 1,614,036 alleles (0.000062%); highest among the groups gnomAD compares: South Asian, 0.0011%; no homozygotes.

Submissions (2):

Ambry Genetics
Classification: Uncertain significance for Hereditary cancer-predisposing syndrome. Last evaluated: 2026-04-30. Review status: criteria provided, single submitter. Criteria: Ambry Variant Classification Scheme 2023. Collection method: clinical testing. Allele origin: germline.
Comment: The p.L383M variant (also known as c.1147C>A), located in coding exon 4 of the PALB2 gene, results from a C to A substitution at nucleotide position 1147. The leucine at codon 383 is replaced by methionine, an amino acid with highly similar properties. This amino acid position is conserved. In addition, this alteration is predicted to be tolerated by in silico analysis. Based on the available evidence, the clinical significance of this variant remains unclear.

Labcorp Genetics (formerly Invitae), Labcorp
Classification: Uncertain significance for Familial cancer of breast. Last evaluated: 2021-01-24. Review status: criteria provided, single submitter. Criteria: Invitae Variant Classification Sherloc (09022015). Collection method: clinical testing. Allele origin: germline.
Comment: In summary, the available evidence is currently insufficient to determine the role of this variant in disease. Therefore, it has been classified as a Variant of Uncertain Significance. Algorithms developed to predict the effect of missense changes on protein structure and function are either unavailable or do not agree on the potential impact of this missense change (SIFT: "Tolerated"; PolyPhen-2: "Probably Damaging"; Align-GVGD: "Class C0"). This variant has not been reported in the literature in individuals with PALB2-related conditions. This variant is not present in population databases (ExAC no frequency). This sequence change replaces leucine with methionine at codon 383 of the PALB2 protein (p.Leu383Met). The leucine residue is weakly conserved and there is a small physicochemical difference between leucine and methionine.

NM_024675.4(PALB2):c.1147C>A (p.Leu383Met)

Gene: PALB2 (partner and localizer of BRCA2; minus strand). Cytogenetic location: 16p12.2.
Variant type: single nucleotide variant.
Coding change: c.1147C>A on transcript NM_024675.4 (MANE Select); coding-DNA position 1147, C replaced by A.
Protein change: p.Leu383Met; replaces leucine 383 with methionine.
Molecular consequence: missense variant.
Genome position (GRCh38, 1-based): chr16:23,635,399, G>T on the plus strand (C>A on the coding strand, the complement: PALB2 is on the minus strand). VCF-style: chr16-23635399-G-T. GRCh37 (hg19) VCF-style: chr16-23646720-G-T.
Other names: c.1147C>A (NM_024675.3); short protein forms L383M.
Identifiers: ClinVar variation 1509127 (VCV001509127.10), dbSNP rs2142424566, ClinGen allele CA395133566.